The following is an entry in ClinVar:

NM_017849.4(TMEM127):c.291C>G (p.Ala97=)

Gene: TMEM127 (transmembrane protein 127; minus strand). Cytogenetic location: 2q11.2.
Variant type: single nucleotide variant.
Coding change: c.291C>G on transcript NM_017849.4 (MANE Select); coding-DNA position 291, C replaced by G.
Protein change: p.Ala97=; no amino-acid change (alanine 97 retained).
Molecular consequence: synonymous variant.
Genome position (GRCh38, 1-based): chr2:96,254,951, G>C on the plus strand (C>G on the coding strand, the complement: TMEM127 is on the minus strand). VCF-style: chr2-96254951-G-C. GRCh37 (hg19) VCF-style: chr2-96920689-G-C.
Other names: c.291C>G, p.Ala97= (NM_001193304.3).
Identifiers: ClinVar variation 1112888 (VCV001112888.12), dbSNP rs546105756, ClinGen allele CA1777355.
Genomic context (GRCh38, chr2:96,254,951, plus strand): 5'-CCCAAAGACATCCAGAAGGAAAGCGGAGAGACTACACAGGATGCCCAGGAAACAGAAGGC[G>C]GCGATGACCCGCAGGAGCAGCACTGTCTGGGGATTCATGCAGAAATCTGTAGAGGGAGAA-3'
Protein context (NP_060319.1, residues 87-107): PQTVLLLRVI[Ala97=]AFCFLGILCS

ClinVar aggregate classification (germline): Benign/Likely benign. Review status: criteria provided, multiple submitters, no conflicts (2 of 4 stars). 3 submissions from 3 submitters: Benign (1); Likely benign (2). Last evaluated 2026-07-29.

Conditions:
Hereditary pheochromocytoma and paraganglioma. Also called: Hereditary paragangliomas and pheochromocytomas; Hereditary Paraganglioma-Pheochromocytoma Syndromes; Hereditary pheochromocytoma-paraganglioma. Identifiers: Orphanet 29072, MedGen C4274332, MONDO:0017366.
Hereditary cancer-predisposing syndrome. Also called: Hereditary Cancer Syndrome; Hereditary neoplastic syndrome; Neoplastic Syndromes, Hereditary; Tumor predisposition. Identifiers: Orphanet 140162, MedGen C0027672, MeSH D009386, MONDO:0015356.

Allele frequency attached by ClinVar (database versions not stated): ExAC 0.00002; gnomAD 0.00001; 1000 Genomes Project 30x 0.00016; gnomAD exomes below 0.00001; 1000 Genomes Project 0.00020.
gnomAD v4.1: 3 of 1,614,232 alleles (0.00019%); highest among the groups gnomAD compares: South Asian, 0.0022%; no homozygotes.

Submissions (3):

Myriad Genetics, Inc.
Classification: Benign for Hereditary pheochromocytoma and paraganglioma. Last evaluated: 2026-07-29. Review status: criteria provided, single submitter. Criteria: Myriad Autosomal Dominant, Autosomal Recessive and X-Linked Classification Criteria (2023). Collection method: clinical testing. Allele origin: unknown.
Comment: This variant is considered benign. This variant is a silent/synonymous amino acid change and it is not expected to impact splicing.

Labcorp Genetics (formerly Invitae), Labcorp
Classification: Likely benign for Hereditary pheochromocytoma and paraganglioma. Last evaluated: 2020-08-20. Review status: criteria provided, single submitter. Criteria: Invitae Variant Classification Sherloc (09022015). Collection method: clinical testing. Allele origin: germline.

Ambry Genetics
Classification: Likely benign for Hereditary cancer-predisposing syndrome. Last evaluated: 2019-07-04. Review status: criteria provided, single submitter. Criteria: Ambry Variant Classification Scheme 2023. Collection method: clinical testing. Allele origin: germline.